The following is an entry in ClinVar:

NM_033380.3(COL4A5):c.2228G>A (p.Gly743Asp)

Gene: COL4A5 (collagen type IV alpha 5 chain; plus strand). Cytogenetic location: Xq22.3.
Variant type: single nucleotide variant.
Coding change: c.2228G>A on transcript NM_033380.3 (MANE Select); coding-DNA position 2228, G replaced by A.
Protein change: p.Gly743Asp; replaces glycine 743 with aspartic acid.
Molecular consequence: missense variant.
Genome position (GRCh38, 1-based): chrX:108,603,045, G>A. VCF-style: chrX-108603045-G-A. GRCh37 (hg19) VCF-style: chrX-107846275-G-A.
Other names: c.2228G>A, p.Gly743Asp (NM_000495.5); short protein forms G743D.
Identifiers: ClinVar variation 1803636 (VCV001803636.2), dbSNP rs104886166, ClinGen allele CA258639.
Genomic context (GRCh38, chrX:108,603,045, plus strand): 5'-CTCCAGGAGCACCTGGGACACCTGGAAGAATTGGTCTAGAAGGCCCTCCTGGGCCACCCG[G>A]CTTTCCAGGACCAAAGGTCTGGGACATTTTTCTTTATTCCTTCTCATTTTCTTATCTTTC-3'
Protein context (NP_203699.1, residues 733-753): IGLEGPPGPP[Gly743Asp]FPGPKGEPGF

ClinVar aggregate classification (germline): Pathogenic (1 of 4 stars; one submission).

Submission:

GeneDx
Classification: Pathogenic. Last evaluated: 2026-05-13. Review status: criteria provided, single submitter. Criteria: GeneDx Variant Classification Process June 2021. Collection method: clinical testing. Allele origin: germline.
Comment: Affects a glycine residue in a Gly-X-Y motif in the triple helical region of the COL4A5 gene, where the majority of pathogenic missense variants occur, and is predicted to disrupt normal protein folding and function (HGMD; PMID: 10752524); Not observed at significant frequency in large population cohorts (gnomAD); In silico analysis supports that this missense variant has a deleterious effect on protein structure/function; This variant is associated with the following publications: (PMID: 10094548, 10752524, 40567900, 24077912)